The following is an entry in ClinVar:

NM_003072.5(SMARCA4):c.2999T>C (p.Met1000Thr)

Gene: SMARCA4 (SWI/SNF related BAF chromatin remodeling complex subunit ATPase 4; plus strand). Cytogenetic location: 19p13.2.
Variant type: single nucleotide variant.
Coding change: c.2999T>C on transcript NM_003072.5 (MANE Select); coding-DNA position 2999, T replaced by C.
Protein change: p.Met1000Thr; replaces methionine 1000 with threonine.
Molecular consequence: missense variant. On other transcripts: non-coding transcript variant (1).
Genome position (GRCh38, 1-based): chr19:11,024,356, T>C. VCF-style: chr19-11024356-T-C. GRCh37 (hg19) VCF-style: chr19-11135032-T-C.
Other names: c.2999T>C, p.Met1000Thr (NM_001128844.3, NM_001128845.2, NM_001128846.2 and 6 more transcripts); short protein forms M1000T.
Identifiers: ClinVar variation 4170146 (VCV004170146.2).

ClinVar aggregate classification (germline): Uncertain significance. Review status: criteria provided, multiple submitters, no conflicts (2 of 4 stars). 2 submissions from 2 submitters: Uncertain significance (2). Last evaluated 2025-07-01.

Conditions:
Rhabdoid tumor predisposition syndrome 2 (RTPS2). Identifiers: Orphanet 231108, Orphanet 69077, MedGen C2750074, MONDO:0013224, OMIM 613325.
Hereditary cancer-predisposing syndrome. Also called: Neoplastic Syndromes, Hereditary; Tumor predisposition; Hereditary Cancer Syndrome; Hereditary neoplastic syndrome. Identifiers: Orphanet 140162, MedGen C0027672, MeSH D009386, MONDO:0015356.

Submissions (2):

Ambry Genetics
Classification: Uncertain significance for Hereditary cancer-predisposing syndrome. Last evaluated: 2025-07-01. Review status: criteria provided, single submitter. Criteria: Ambry Variant Classification Scheme 2023. Collection method: clinical testing. Allele origin: germline.
Comment: The p.M1000T variant (also known as c.2999T>C), located in coding exon 20 of the SMARCA4 gene, results from a T to C substitution at nucleotide position 2999. The methionine at codon 1000 is replaced by threonine, an amino acid with similar properties. This amino acid position is conserved. In addition, this alteration is predicted to be deleterious by in silico analysis. Based on the available evidence, the clinical significance of this variant remains unclear.

Labcorp Genetics (formerly Invitae), Labcorp
Classification: Uncertain significance for Rhabdoid tumor predisposition syndrome 2. Last evaluated: 2025-04-22. Review status: criteria provided, single submitter. Criteria: Invitae Variant Classification Sherloc (09022015). Collection method: clinical testing. Allele origin: germline.
Comment: This sequence change replaces methionine, which is neutral and non-polar, with threonine, which is neutral and polar, at codon 1000 of the SMARCA4 protein (p.Met1000Thr). This variant is not present in population databases (gnomAD no frequency). This variant has not been reported in the literature in individuals affected with SMARCA4-related conditions. Invitae Evidence Modeling of protein sequence and biophysical properties (such as structural, functional, and spatial information, amino acid conservation, physicochemical variation, residue mobility, and thermodynamic stability) indicates that this missense variant is expected to disrupt SMARCA4 protein function with a positive predictive value of 95%. In summary, the available evidence is currently insufficient to determine the role of this variant in disease. Therefore, it has been classified as a Variant of Uncertain Significance.